The following is an entry in ClinVar:

NM_000321.3(RB1):c.2407A>G (p.Asn803Asp)

Gene: RB1 (RB transcriptional corepressor 1; plus strand). Cytogenetic location: 13q14.2.
Variant type: single nucleotide variant.
Coding change: c.2407A>G on transcript NM_000321.3 (MANE Select); coding-DNA position 2407, A replaced by G.
Protein change: p.Asn803Asp; replaces asparagine 803 with aspartic acid.
Molecular consequence: missense variant.
Genome position (GRCh38, 1-based): chr13:48,465,286, A>G. VCF-style: chr13-48465286-A-G. GRCh37 (hg19) VCF-style: chr13-49039422-A-G.
Other names: c.2407A>G, p.Asn803Asp (NM_001407165.1); short protein forms N803D.
Identifiers: ClinVar variation 4151192 (VCV004151192.1).

ClinVar aggregate classification (germline): Uncertain significance (1 of 4 stars; one submission).

Conditions:
Hereditary cancer-predisposing syndrome. Also called: Hereditary neoplastic syndrome; Neoplastic Syndromes, Hereditary; Tumor predisposition; Hereditary Cancer Syndrome. Identifiers: Orphanet 140162, MedGen C0027672, MeSH D009386, MONDO:0015356.

Submission:

Ambry Genetics
Classification: Uncertain significance for Hereditary cancer-predisposing syndrome. Last evaluated: 2025-07-12. Review status: criteria provided, single submitter. Criteria: Ambry Variant Classification Scheme 2023. Collection method: clinical testing. Allele origin: germline.
Comment: The p.N803D variant (also known as c.2407A>G), located in coding exon 23 of the RB1 gene, results from an A to G substitution at nucleotide position 2407. The asparagine at codon 803 is replaced by aspartic acid, an amino acid with highly similar properties. This amino acid position is conserved. In addition, the in silico prediction for this alteration is inconclusive. Based on the available evidence, the clinical significance of this variant remains unclear.